The following is an entry in ClinVar:

NM_001909.5(CTSD):c.511G>A (p.Gly171Ser)

Gene: CTSD (cathepsin D; minus strand). Cytogenetic location: 11p15.5.
Variant type: single nucleotide variant.
Coding change: c.511G>A on transcript NM_001909.5 (MANE Select); coding-DNA position 511, G replaced by A.
Protein change: p.Gly171Ser; replaces glycine 171 with serine.
Molecular consequence: missense variant.
Genome position (GRCh38, 1-based): chr11:1,757,517, C>T on the plus strand (G>A on the coding strand, the complement: CTSD is on the minus strand). VCF-style: chr11-1757517-C-T. GRCh37 (hg19) VCF-style: chr11-1778747-C-T.
Other names: short protein forms G171S.
Identifiers: ClinVar variation 409619 (VCV000409619.8), dbSNP rs775460488, ClinGen allele CA5814148.

ClinVar aggregate classification (germline): Conflicting classifications of pathogenicity. Review status: criteria provided, conflicting classifications (1 of 4 stars). 2 submissions from 2 submitters: Uncertain significance (1); Likely benign (1). Last evaluated 2025-01-29.

Conditions:
Inborn genetic diseases. Identifiers: MedGen C0950123, MeSH D030342.
Neuronal ceroid lipofuscinosis. Also called: Neuronal Ceroid Lipofuscinoses. Identifiers: Orphanet 216, Orphanet 79263, MedGen C0027877, MONDO:0016295. Disease mechanism: loss of function.

Allele frequency attached by ClinVar (database versions not stated): gnomAD exomes below 0.00001; ExAC 0.00001; gnomAD 0.00003; TOPMed 0.00003.

Submissions (2):

Ambry Genetics
Classification: Likely benign for Inborn genetic diseases. Last evaluated: 2025-01-29. Review status: criteria provided, single submitter. Criteria: Ambry Variant Classification Scheme 2023. Collection method: clinical testing. Allele origin: germline.

Labcorp Genetics (formerly Invitae), Labcorp
Classification: Uncertain significance for Neuronal ceroid lipofuscinosis. Last evaluated: 2022-04-01. Review status: criteria provided, single submitter. Criteria: Invitae Variant Classification Sherloc (09022015). Collection method: clinical testing. Allele origin: germline.
Comment: This sequence change replaces glycine, which is neutral and non-polar, with serine, which is neutral and polar, at codon 171 of the CTSD protein (p.Gly171Ser). The frequency data for this variant in the population databases is considered unreliable, as metrics indicate poor data quality at this position in the gnomAD database. This variant has not been reported in the literature in individuals affected with CTSD-related conditions. ClinVar contains an entry for this variant (Variation ID: 409619). Algorithms developed to predict the effect of missense changes on protein structure and function (SIFT, PolyPhen-2, Align-GVGD) all suggest that this variant is likely to be tolerated. Algorithms developed to predict the effect of sequence changes on RNA splicing suggest that this variant may create or strengthen a splice site. In summary, the available evidence is currently insufficient to determine the role of this variant in disease. Therefore, it has been classified as a Variant of Uncertain Significance.